The following is an entry in ClinVar:

ClinVar aggregate classification (germline): Uncertain significance (1 of 4 stars; one submission).

Conditions:
Inborn genetic diseases. Identifiers: MedGen C0950123, MeSH D030342.

Submission:

Ambry Genetics
Classification: Uncertain significance for Inborn genetic diseases. Last evaluated: 2024-12-08. Review status: criteria provided, single submitter. Criteria: Ambry Variant Classification Scheme 2023. Collection method: clinical testing. Allele origin: germline.
Comment: The p.E629D variant (also known as c.1887A>C), located in coding exon 21 of the FANCA gene, results from an A to C substitution at nucleotide position 1887. The glutamic acid at codon 629 is replaced by aspartic acid, an amino acid with highly similar properties. This amino acid position is conserved. In addition, this alteration is predicted to be tolerated by in silico analysis. Based on the available evidence, the clinical significance of this variant remains unclear.

NM_000135.4(FANCA):c.1887A>C (p.Glu629Asp)

Gene: FANCA (FA complementation group A; minus strand). Cytogenetic location: 16q24.3.
Variant type: single nucleotide variant.
Coding change: c.1887A>C on transcript NM_000135.4 (MANE Select); coding-DNA position 1887, A replaced by C.
Protein change: p.Glu629Asp; replaces glutamic acid 629 with aspartic acid.
Molecular consequence: missense variant.
Genome position (GRCh38, 1-based): chr16:89,775,755, T>G on the plus strand (A>C on the coding strand, the complement: FANCA is on the minus strand). VCF-style: chr16-89775755-T-G. GRCh37 (hg19) VCF-style: chr16-89842163-T-G.
Other names: c.1887A>C, p.Glu629Asp (NM_001286167.3); short protein forms E629D.
Identifiers: ClinVar variation 3512717 (VCV003512717.1).